The following is an entry in ClinVar:

ClinVar aggregate classification (germline): Likely pathogenic. Review status: criteria provided, multiple submitters, no conflicts (2 of 4 stars). 2 submissions from 2 submitters: Likely pathogenic (2). Last evaluated 2026-04-28.

Conditions:
Neurodevelopmental disorder with or without hyperkinetic movements and seizures, autosomal dominant. Also called: Intellectual disability, autosomal dominant 8. Identifiers: MedGen C3280282, MONDO:0013655, OMIM 614254.

Submissions (2):

Wales Gene Park, Division Of Cancer and Genetics, Cardiff University
Classification: Likely pathogenic for Neurodevelopmental disorder with or without hyperkinetic movements and seizures, autosomal dominant. Last evaluated: 2026-04-28. Review status: criteria provided, single submitter. Criteria: ACGS Best Practice Guidelines for Variant Classification in Rare Disease 2024. Collection method: research. Allele origin: de novo. Inheritance: Autosomal dominant inheritance. Affected: yes. Study: 100,000 Genomes Project (Wales).
Comment: De novo GRIN1 missense variant detected by trio genome sequencing. Located in the highly conserved M3 transmembrane helix. Not in gnomAD (v4.1.1). REVEL score neutral 0.483. Phenotype consistent with gene but not highly specific. Constrained gene (gnomAD missense Z score 8.46). Previously reported as likely pathogenic in ClinVar (Accession: VCV002429918.2). Evidence codes: PM2, PP2, PS2_moderate, PM1_supporting, PS4_supporting.

Department of Genetics, Rouen University Hospital, Normandy Center for Genomic and Personalized Medicine
Classification: Likely pathogenic for Neurodevelopmental disorder with or without hyperkinetic movements and seizures, autosomal dominant. Last evaluated: 2022-01-19. Review status: criteria provided, single submitter. Criteria: ACMG Guidelines, 2015. Collection method: clinical testing. Allele origin: de novo. Affected: yes.

NM_007327.4(GRIN1):c.1898G>T (p.Gly633Val)

Gene: GRIN1 (glutamate ionotropic receptor NMDA type subunit 1; plus strand). Cytogenetic location: 9q34.3.
Variant type: single nucleotide variant.
Coding change: c.1898G>T on transcript NM_007327.4 (MANE Select); coding-DNA position 1898, G replaced by T.
Protein change: p.Gly633Val; replaces glycine 633 with valine.
Molecular consequence: missense variant.
Genome position (GRCh38, 1-based): chr9:137,162,624, G>T. VCF-style: chr9-137162624-G-T. GRCh37 (hg19) VCF-style: chr9-140057076-G-T.
Other names: c.1898G>T, p.Gly633Val (NM_000832.7, NM_021569.4); c.1961G>T, p.Gly654Val (NM_001185090.2, NM_001185091.2); short protein forms G633V, G654V.
Identifiers: ClinVar variation 2429918 (VCV002429918.3), dbSNP rs2538640575, ClinGen allele CA375720390.
Genomic context (GRCh38, chr9:137,162,624, plus strand): 5'-CTGACAGAGCCCCCCGCCCGCCCACAGGCGCCCCCAGAAGCTTCTCAGCGCGCATCCTGG[G>T]CATGGTGTGGGCCGGCTTTGCCATGATCATCGTGGCCTCCTACACCGCCAACCTGGCGGC-3'
Protein context (NP_015566.1, residues 623-643): APRSFSARIL[Gly633Val]MVWAGFAMII